The following is an entry in ClinVar:

ClinVar aggregate classification (germline): Likely pathogenic (1 of 4 stars; one submission).

Submission:

Labcorp Genetics (formerly Invitae), Labcorp
Classification: Likely pathogenic. Last evaluated: 2022-01-19. Review status: criteria provided, single submitter. Criteria: Invitae Variant Classification Sherloc (09022015). Collection method: clinical testing. Allele origin: unknown.
Comment: In summary, the currently available evidence indicates that the variant is pathogenic, but additional data are needed to prove that conclusively. Therefore, this variant has been classified as Likely Pathogenic. Experimental studies and prediction algorithms are not available or were not evaluated, and the effect of this variant on mRNA splicing is currently unknown. This variant has not been reported in the literature in individuals affected with CRB2-related conditions. This variant results in the deletion of part of exon 7 (c.1054+522_1696del) of the CRB2 gene. It is expected to disrupt RNA splicing. Variants that disrupt the donor or acceptor splice site typically lead to a loss of protein function (PMID: 16199547), and loss-of-function variants in CRB2 are known to be pathogenic (PMID: 27942854, 30212996).

Literature cited by the submitters: PubMed 16199547; PubMed 27942854; PubMed 30212996.

NC_000009.11:g.(?_126130487)_(126133028_?)del

Gene: CRB2 (crumbs cell polarity complex component 2; plus strand). Cytogenetic location: 9q33.3.
Variant type: Deletion.
Identifiers: ClinVar variation 3245401 (VCV003245401.1).